The following is an entry in ClinVar:

ClinVar aggregate classification (germline): Conflicting classifications of pathogenicity. Review status: criteria provided, conflicting classifications (1 of 4 stars). 5 submissions from 5 submitters: Uncertain significance (4); Likely benign (1). Last evaluated 2026-01-19.

Conditions:
Hereditary cancer-predisposing syndrome. Also called: Hereditary Cancer Syndrome; Tumor predisposition; Neoplastic Syndromes, Hereditary; Hereditary neoplastic syndrome. Identifiers: Orphanet 140162, MedGen C0027672, MeSH D009386, MONDO:0015356.

Allele frequency attached by ClinVar (database versions not stated): TOPMed below 0.00001; gnomAD 0.00001.
gnomAD v4.1: 1 of 1,614,092 alleles (0.000062%); no homozygotes.

Submissions (5):

Labcorp Genetics (formerly Invitae), Labcorp
Classification: Uncertain significance. Last evaluated: 2026-01-19. Review status: criteria provided, single submitter. Criteria: Invitae Variant Classification Sherloc (09022015). Collection method: clinical testing. Allele origin: germline.
Comment: This sequence change replaces lysine, which is basic and polar, with asparagine, which is neutral and polar, at codon 296 of the SMARCB1 protein (p.Lys296Asn). This variant is not present in population databases (gnomAD no frequency). This missense change has been observed in individual(s) with clinical features of SMARCB1-related conditions (PMID: 37500730). ClinVar contains an entry for this variant (Variation ID: 198489). Invitae Evidence Modeling of protein sequence and biophysical properties (such as structural, functional, and spatial information, amino acid conservation, physicochemical variation, residue mobility, and thermodynamic stability) indicates that this missense variant is not expected to disrupt SMARCB1 protein function with a negative predictive value of 80%. In summary, the available evidence is currently insufficient to determine the role of this variant in disease. Therefore, it has been classified as a Variant of Uncertain Significance.

Ambry Genetics
Classification: Likely benign for Hereditary cancer-predisposing syndrome. Last evaluated: 2021-10-28. Review status: criteria provided, single submitter. Criteria: Ambry Variant Classification Scheme 2023. Collection method: clinical testing. Allele origin: germline.

GeneDx
Classification: Uncertain significance. Last evaluated: 2019-09-12. Review status: criteria provided, single submitter. Criteria: GeneDx Variant Classification Process June 2021. Collection method: clinical testing. Allele origin: germline. Affected: yes.
Comment: Not observed in large population cohorts (Lek et al., 2016); In silico analysis, which includes protein predictors and evolutionary conservation, supports that this variant does not alter protein structure/function; Has not been previously published as pathogenic or benign to our knowledge

Women's Health and Genetics/Laboratory Corporation of America, LabCorp
Classification: Uncertain significance. Last evaluated: 2018-10-02. Review status: criteria provided, single submitter. Criteria: LabCorp Variant Classification Summary - May 2015. Collection method: clinical testing. Allele origin: germline.
Comment: Variant summary: SMARCB1 c.888G>T (p.Lys296Asn) results in a non-conservative amino acid change in the encoded protein sequence. Three of five in-silico tools predict a benign effect of the variant on protein function. The variant was absent in 277228 control chromosomes (gnomAD). The available data on variant occurrences in the general population are insufficient to allow any conclusion about variant significance. To our knowledge, no occurrence of c.888G>T in individuals affected with Coffin-Siris syndrome and no experimental evidence demonstrating its impact on protein function have been reported. Two clinical diagnostic laboratories have submitted clinical-significance assessments for this variant to ClinVar after 2014 without evidence for independent evaluation and both classified the variant as uncertain significance. Based on the evidence outlined above, the variant was classified as uncertain significance.

Eurofins Ntd Llc (ga)
Classification: Uncertain significance. Last evaluated: 2015-03-04. Review status: criteria provided, single submitter. Criteria: EGL Classification Definitions 2015. Collection method: clinical testing. Allele origin: germline. Observed: 1 variant allele, 1 heterozygote.

Literature cited by the submitters: PubMed 37500730 (cited by Labcorp Genetics (formerly Invitae), Labcorp).

NM_003073.5(SMARCB1):c.888G>T (p.Lys296Asn)

Gene: SMARCB1 (SWI/SNF related BAF chromatin remodeling complex subunit B1; plus strand). Cytogenetic location: 22q11.23.
Variant type: single nucleotide variant.
Coding change: c.888G>T on transcript NM_003073.5 (MANE Select); coding-DNA position 888, G replaced by T.
Protein change: p.Lys296Asn; replaces lysine 296 with asparagine.
Molecular consequence: missense variant.
Genome position (GRCh38, 1-based): chr22:23,825,317, G>T. VCF-style: chr22-23825317-G-T. GRCh37 (hg19) VCF-style: chr22-24167504-G-T.
Other names: c.888G>T (LRG_520t1); c.861G>T, p.Lys287Asn (NM_001007468.3); c.915G>T, p.Lys305Asn (NM_001317946.2); c.942G>T, p.Lys314Asn (NM_001362877.2); short protein forms K296N, K287N, K305N, K314N.
Identifiers: ClinVar variation 198489 (VCV000198489.25), dbSNP rs769322487, ClinGen allele CA247163.